The following is an entry in ClinVar:

NM_001145860.2(POP1):c.1394G>A (p.Arg465His)

Gene: POP1 (POP1 homolog, ribonuclease P/MRP subunit; plus strand). Cytogenetic location: 8q22.2.
Variant type: single nucleotide variant.
Coding change: c.1394G>A on transcript NM_001145860.2 (MANE Select); coding-DNA position 1394, G replaced by A.
Protein change: p.Arg465His; replaces arginine 465 with histidine.
Molecular consequence: missense variant.
Genome position (GRCh38, 1-based): chr8:98,140,109, G>A. VCF-style: chr8-98140109-G-A. GRCh37 (hg19) VCF-style: chr8-99152337-G-A.
Other names: c.1394G>A, p.Arg465His (NM_001145861.2, NM_015029.3); short protein forms R465H.
Identifiers: ClinVar variation 1375583 (VCV001375583.3), dbSNP rs553476963, ClinGen allele CA4820570.

ClinVar aggregate classification (germline): Uncertain significance (1 of 4 stars; one submission).

Allele frequency attached by ClinVar (database versions not stated): gnomAD 0.00001 and 0.00003; gnomAD exomes 0.00001; ExAC 0.00002; TOPMed 0.00002; 1000 Genomes Project 0.00020; 1000 Genomes Project 30x 0.00062.
gnomAD v4.1: 11 of 1,614,038 alleles (0.00068%); highest among the groups gnomAD compares: African/African-American, 0.011%; no homozygotes.

Submission:

Labcorp Genetics (formerly Invitae), Labcorp
Classification: Uncertain significance. Last evaluated: 2022-06-27. Review status: criteria provided, single submitter. Criteria: Invitae Variant Classification Sherloc (09022015). Collection method: clinical testing. Allele origin: germline.
Comment: This sequence change replaces arginine, which is basic and polar, with histidine, which is basic and polar, at codon 465 of the POP1 protein (p.Arg465His). This variant is present in population databases (rs553476963, gnomAD 0.007%). This variant has not been reported in the literature in individuals affected with POP1-related conditions. Algorithms developed to predict the effect of missense changes on protein structure and function output the following: SIFT: "Tolerated"; PolyPhen-2: "Benign"; Align-GVGD: "Class C0". The histidine amino acid residue is found in multiple mammalian species, which suggests that this missense change does not adversely affect protein function. In summary, the available evidence is currently insufficient to determine the role of this variant in disease. Therefore, it has been classified as a Variant of Uncertain Significance.